The following is an entry in ClinVar:

ClinVar aggregate classification (germline): Uncertain significance. Review status: criteria provided, multiple submitters, no conflicts (2 of 4 stars). 2 submissions from 2 submitters: Uncertain significance (2). Last evaluated 2024-08-31.

Allele frequency attached by ClinVar (database versions not stated): gnomAD exomes below 0.00001; gnomAD 0.00001; TOPMed 0.00001.
gnomAD v4.1: 3 of 1,591,392 alleles (0.00019%); highest among the groups gnomAD compares: East Asian, 0.0068%; no homozygotes.

Submissions (2):

Labcorp Genetics (formerly Invitae), Labcorp
Classification: Uncertain significance. Last evaluated: 2024-08-31. Review status: criteria provided, single submitter. Criteria: Invitae Variant Classification Sherloc (09022015). Collection method: clinical testing. Allele origin: germline.
Comment: This sequence change replaces glycine, which is neutral and non-polar, with glutamic acid, which is acidic and polar, at codon 370 of the COL9A3 protein (p.Gly370Glu). This variant is present in population databases (rs553546999, gnomAD 0.007%). This variant has not been reported in the literature in individuals affected with COL9A3-related conditions. ClinVar contains an entry for this variant (Variation ID: 387903). An algorithm developed to predict the effect of missense changes on protein structure and function (PolyPhen-2) suggests that this variant is likely to be disruptive. In summary, the available evidence is currently insufficient to determine the role of this variant in disease. Therefore, it has been classified as a Variant of Uncertain Significance.

GeneDx
Classification: Uncertain significance. Last evaluated: 2018-03-09. Review status: criteria provided, single submitter. Criteria: GeneDx Variant Classification (06012015). Collection method: clinical testing. Allele origin: germline. Affected: yes.
Comment: The G370E variant in the COL9A3 gene has not been reported previously as a pathogenic variant, nor as a benign variant, to our knowledge. The G370E variant was not observed in approximately 6,500 individuals of European and African American ancestry in the NHLBI Exome Sequencing Project, indicating it is not a common benign variant in these populations. The G370E variant is a non-conservative amino acid substitution, which is likely to impact secondary protein structure as these residues differ in polarity, charge, size and/or other properties. This substitution occurs at a position that is conserved across species. In silico analysis predicts this variant is probably damaging to the protein structure/function. We interpret G370E as a variant of uncertain significance.

NM_001853.4(COL9A3):c.1109G>A (p.Gly370Glu)

Gene: COL9A3 (collagen type IX alpha 3 chain; plus strand). Cytogenetic location: 20q13.33.
Variant type: single nucleotide variant.
Coding change: c.1109G>A on transcript NM_001853.4 (MANE Select); coding-DNA position 1109, G replaced by A.
Protein change: p.Gly370Glu; replaces glycine 370 with glutamic acid.
Molecular consequence: missense variant.
Genome position (GRCh38, 1-based): chr20:62,829,767, G>A. VCF-style: chr20-62829767-G-A. GRCh37 (hg19) VCF-style: chr20-61461119-G-A.
Other names: c.1109G>A, p.Gly370Glu (LRG_1253t1); short protein forms G370E.
Identifiers: ClinVar variation 387903 (VCV000387903.6), dbSNP rs553546999, ClinGen allele CA16608405.